The following is an entry in ClinVar:

ClinVar aggregate classification (germline): Conflicting classifications of pathogenicity. Review status: criteria provided, conflicting classifications (1 of 4 stars). 4 submissions from 4 submitters: Uncertain significance (2); Likely benign (2). Last evaluated 2024-02-24.

Conditions:
Hereditary cancer-predisposing syndrome. Also called: Tumor predisposition; Neoplastic Syndromes, Hereditary; Hereditary Cancer Syndrome; Hereditary neoplastic syndrome. Identifiers: Orphanet 140162, MedGen C0027672, MeSH D009386, MONDO:0015356.

Allele frequency attached by ClinVar (database versions not stated): gnomAD exomes below 0.00001 and 0.00001.
gnomAD v4.1: 1 of 1,547,824 alleles (0.000065%); highest among the groups gnomAD compares: Non-Finnish European, 0.000087%; no homozygotes.

Submissions (4):

Labcorp Genetics (formerly Invitae), Labcorp
Classification: Uncertain significance. Last evaluated: 2024-02-24. Review status: criteria provided, single submitter. Criteria: Invitae Variant Classification Sherloc (09022015). Collection method: clinical testing. Allele origin: germline.
Comment: This sequence change replaces proline, which is neutral and non-polar, with leucine, which is neutral and non-polar, at codon 34 of the FH protein (p.Pro34Leu). This variant is present in population databases (no rsID available, gnomAD 0.002%). This variant has not been reported in the literature in individuals affected with FH-related conditions. ClinVar contains an entry for this variant (Variation ID: 1524750). Advanced modeling of protein sequence and biophysical properties (such as structural, functional, and spatial information, amino acid conservation, physicochemical variation, residue mobility, and thermodynamic stability) performed at Invitae indicates that this missense variant is not expected to disrupt FH protein function with a negative predictive value of 95%. In summary, the available evidence is currently insufficient to determine the role of this variant in disease. Therefore, it has been classified as a Variant of Uncertain Significance.

Blueprint Genetics
Classification: Likely benign. Last evaluated: 2024-01-23. Review status: criteria provided, single submitter. Criteria: ACMG Guidelines, 2015. Collection method: clinical testing. Allele origin: germline.

Ambry Genetics
Classification: Likely benign for Hereditary cancer-predisposing syndrome. Last evaluated: 2023-11-08. Review status: criteria provided, single submitter. Criteria: Ambry Variant Classification Scheme 2023. Collection method: clinical testing. Allele origin: germline.

Sema4
Classification: Uncertain significance for Hereditary cancer-predisposing syndrome. Last evaluated: 2021-05-24. Review status: criteria provided, single submitter. Criteria: Sema4 Curation Guidelines. Collection method: curation. Allele origin: germline.
Comment: The FH c.101C>T (p.P34L) variant has not been reported in the literature to our knowledge. This variant was observed in 1/51770 chromosomes in the Non-Finnish European subpopulation according to the Genome Aggregation Database (PMID: 32461654). This variant has not been reported in ClinVar. In silico tools suggest the impact of the variant on protein function is inconclusive, though these predictions have not been confirmed by functional studies. The evidence is insufficient to meet ACMG/AMP criteria for classifying the variant as benign or pathogenic. Thus, the clinical significance of this variant is currently uncertain.

NM_000143.4(FH):c.101C>T (p.Pro34Leu)

Gene: FH (fumarate hydratase; minus strand). Cytogenetic location: 1q43.
Variant type: single nucleotide variant.
Coding change: c.101C>T on transcript NM_000143.4 (MANE Select); coding-DNA position 101, C replaced by T.
Protein change: p.Pro34Leu; replaces proline 34 with leucine.
Molecular consequence: missense variant.
Genome position (GRCh38, 1-based): chr1:241,519,622, G>A on the plus strand (C>T on the coding strand, the complement: FH is on the minus strand). VCF-style: chr1-241519622-G-A. GRCh37 (hg19) VCF-style: chr1-241682922-G-A.
Other names: short protein forms P34L.
Identifiers: ClinVar variation 1524750 (VCV001524750.8), dbSNP rs1398860901, ClinGen allele CA345442702.
Genomic context (GRCh38, chr1:241,519,622, plus strand): 5'-GAGGCCGGGGGATGGCGGCCTGCGCTCACCATTCGAGCCGCGTTCGGAGGCCAAAACGAG[G>A]GCACGGCCGCGCCACCCAAGCCGGGAGCCGAAGCTAAGGCTGCGGCTGGAGCCCGCACGA-3'
Protein context (NP_000134.2, residues 24-44): SAPGLGGAAV[Pro34Leu]SFWPPNAARM